The following is an entry in ClinVar:

NM_001267550.2(TTN):c.1034G>A (p.Trp345Ter)

Gene: TTN (titin; minus strand). Cytogenetic location: 2q31.2.
Variant type: single nucleotide variant.
Coding change: c.1034G>A on transcript NM_001267550.2 (MANE Select); coding-DNA position 1034, G replaced by A.
Protein change: p.Trp345Ter; replaces tryptophan 345 with a stop codon.
Molecular consequence: nonsense.
Genome position (GRCh38, 1-based): chr2:178,795,133, C>T on the plus strand (G>A on the coding strand, the complement: TTN is on the minus strand). VCF-style: chr2-178795133-C-T. GRCh37 (hg19) VCF-style: chr2-179659860-C-T.
Other names: c.1034G>A (NM_001267550.1); c.1034G>A, p.Trp345Ter (NM_001256850.1, NM_003319.4, NM_133378.4 and 3 more transcripts); short protein forms W345*.
Identifiers: ClinVar variation 642406 (VCV000642406.12), dbSNP rs1574929972, ClinGen allele CA349518971.

ClinVar aggregate classification (germline): Conflicting classifications of pathogenicity. Review status: criteria provided, conflicting classifications (1 of 4 stars). 4 submissions from 4 submitters: Likely pathogenic (1); Uncertain significance (3). Last evaluated 2025-07-18.

Conditions:
Autosomal recessive limb-girdle muscular dystrophy type 2J (LGMDR10). Also called: Limb-girdle muscular dystrophy, type 2J; MUSCULAR DYSTROPHY, LIMB-GIRDLE, AUTOSOMAL RECESSIVE 10. Identifiers: Orphanet 140922, MedGen C1837342, MONDO:0012127, OMIM 608807.
Dilated cardiomyopathy 1G (CMD1G). Identifiers: Orphanet 154, MedGen C1858763, MONDO:0011400, OMIM 604145.
Tibial muscular dystrophy (TMD). Also called: Tibial muscular dystrophy, tardive; Udd Distal Myopathy – Tibial Muscular Dystrophy; UDD MYOPATHY. Identifiers: Orphanet 609, MedGen C1838244, MONDO:0010870, OMIM 600334.

Submissions (4):

GeneDx
Classification: Uncertain significance. Last evaluated: 2025-07-18. Review status: criteria provided, single submitter. Criteria: GeneDx Variant Classification Process June 2021. Collection method: clinical testing. Allele origin: germline. Affected: yes.
Comment: Not observed at significant frequency in large population cohorts (gnomAD); Nonsense variant predicted to result in protein truncation or nonsense mediated decay in a gene or region of a gene for which loss of function is not a well-established mechanism of disease; Identified in trans with a second TTN missense variant in a patient with muscular dystrophy (PMID: 38374194); This variant is associated with the following publications: (PMID: 38374194)

Labcorp Genetics (formerly Invitae), Labcorp
Classification: Likely pathogenic for Dilated cardiomyopathy 1G; Autosomal recessive limb-girdle muscular dystrophy type 2J. Last evaluated: 2024-10-17. Review status: criteria provided, single submitter. Criteria: Invitae Variant Classification Sherloc (09022015). Collection method: clinical testing. Allele origin: germline.
Comment: This sequence change creates a premature translational stop signal (p.Trp345*) in the TTN gene. While this is not anticipated to result in nonsense mediated decay, it is expected to create a truncated TTN protein. This variant is not present in population databases (gnomAD no frequency). This variant has not been reported in the literature in individuals affected with TTN-related conditions. ClinVar contains an entry for this variant (Variation ID: 642406). This variant is located in the Z band of TTN (PMID: 25589632). Truncating variants in this region have been reported in individuals affected with autosomal recessive centronuclear myopathy (PMID: 33449170, internal data). Truncating variants in this region have also been identified in individuals affected with autosomal dominant dilated cardiomyopathy and/or cardio-related conditions (PMID: 27869827, 32964742, internal data). In summary, the currently available evidence indicates that the variant is pathogenic, but additional data are needed to prove that conclusively. Therefore, this variant has been classified as Likely Pathogenic.

Baylor Genetics
Classification: Uncertain significance for Tibial muscular dystrophy. Last evaluated: 2024-03-15. Review status: criteria provided, single submitter. Criteria: ACMG Guidelines, 2015. Collection method: clinical testing. Allele origin: unknown.

Kariminejad - Najmabadi Pathology & Genetics Center
Classification: Uncertain significance. Last evaluated: 2014-07-12. Review status: criteria provided, single submitter. Criteria: ACMG Guidelines, 2015. Collection method: clinical testing. Allele origin: germline. Inheritance: Autosomal recessive inheritance. Affected: yes.
Comment: PVS1_Moderate, PM2, PP3

Literature cited by the submitters: PubMed 25589632 (cited by Labcorp Genetics (formerly Invitae), Labcorp); PubMed 33449170 (cited by Labcorp Genetics (formerly Invitae), Labcorp); PubMed 27869827 (cited by Labcorp Genetics (formerly Invitae), Labcorp); PubMed 32964742 (cited by Labcorp Genetics (formerly Invitae), Labcorp).